The following is an entry in ClinVar:

NM_006949.4(STXBP2):c.751G>A (p.Ala251Thr)

Gene: STXBP2 (syntaxin binding protein 2; plus strand). Cytogenetic location: 19p13.2.
Variant type: single nucleotide variant.
Coding change: c.751G>A on transcript NM_006949.4 (MANE Select); coding-DNA position 751, G replaced by A.
Protein change: p.Ala251Thr; replaces alanine 251 with threonine.
Molecular consequence: missense variant. On other transcripts: non-coding transcript variant (1).
Genome position (GRCh38, 1-based): chr19:7,642,290, G>A. VCF-style: chr19-7642290-G-A. GRCh37 (hg19) VCF-style: chr19-7707176-G-A.
Other names: c.742G>A, p.Ala248Thr (NM_001127396.3); c.784G>A, p.Ala262Thr (NM_001272034.2); short protein forms A248T, A251T, A262T.
Identifiers: ClinVar variation 1488230 (VCV001488230.6), dbSNP rs747657429, ClinGen allele CA403158882.

ClinVar aggregate classification (germline): Uncertain significance (1 of 4 stars; one submission).

Conditions:
Familial hemophagocytic lymphohistiocytosis 5. Also called: STXBP2-Related Familial Hemophagocytic Lymphohistiocytosis (STXBP2-fHLH). Identifiers: Orphanet 540, MedGen C2751293, MONDO:0013135, OMIM 613101.

gnomAD v4.1: 1 of 1,614,122 alleles (0.000062%); highest among the groups gnomAD compares: Middle Eastern, 0.016%; no homozygotes.

Submission:

Labcorp Genetics (formerly Invitae), Labcorp
Classification: Uncertain significance for Familial hemophagocytic lymphohistiocytosis 5. Last evaluated: 2021-11-11. Review status: criteria provided, single submitter. Criteria: Invitae Variant Classification Sherloc (09022015). Collection method: clinical testing. Allele origin: germline.
Comment: In summary, the available evidence is currently insufficient to determine the role of this variant in disease. Therefore, it has been classified as a Variant of Uncertain Significance. Algorithms developed to predict the effect of missense changes on protein structure and function are either unavailable or do not agree on the potential impact of this missense change (SIFT: "Deleterious"; PolyPhen-2: "Benign"; Align-GVGD: "Class C0"). This variant has not been reported in the literature in individuals affected with STXBP2-related conditions. This variant is not present in population databases (gnomAD no frequency). This sequence change replaces alanine, which is neutral and non-polar, with threonine, which is neutral and polar, at codon 251 of the STXBP2 protein (p.Ala251Thr).